The following continues an entry in ClinVar:

NM_002834.5(PTPN11):c.1493G>T (p.Arg498Leu)

Gene: PTPN11. ClinVar aggregate classification (germline): Pathogenic. Pathogenic (19).

Submissions 11 to 22 of 22:

Victorian Clinical Genetics Services, Murdoch Childrens Research Institute
Classification: Pathogenic for Noonan syndrome 1. Last evaluated: 2022-03-31. Review status: criteria provided, single submitter. Criteria: ACMG Guidelines, 2015. Collection method: clinical testing. Allele origin: germline. Inheritance: Autosomal dominant inheritance. Affected: yes.
Comment: Based on the classification scheme VCGS_Germline_v1.3.4, this variant is classified as Pathogenic. Following criteria are met: 0103 - Loss- and gain-of-function are known mechanisms of disease for this gene. Metachondromatosis (MIM#156250) and Noonan syndrome with multiple lentigines have been associated with loss of function variants, whereas Noonan syndrome 1 (MIM#163950) is caused by gain of function variants (PMIDs: 11992261, 24935154, 21533187). (I) 0107 - This gene is associated with autosomal dominant disease. (I) 0115 - Variants in this gene are known to have variable expressivity, especially for variants causing Noonan syndrome (GeneReviews). (I) 0200 - Variant is predicted to result in a missense amino acid change from arginine to leucine. (I) 0251 - This variant is heterozygous. (I) 0301 - Variant is absent from gnomAD (both v2 and v3). (SP) 0309 - An alternative amino acid change at the same position has been observed in gnomAD (v2, v3) (1 heterozygote, 0 homozygotes). (I) 0501 - Missense variant consistently predicted to be damaging by multiple in silico tools or highly conserved with a major amino acid change. (SP) 0602 - Variant is located in a hotspot region or cluster of pathogenic variants (DECIPHER). (SP) 0702 - Other missense variants comparable to the one identified in this case have strong previous evidence for pathogenicity. These alternative changes (p.(Arg498Trp), p.(Arg498Gln)) have been reported many times as pathogenic and likely pathogenic, and observed in individuals with hypertrophic cardiomyopathy (HCM), Noonan syndrome or LEOPARD syndrome (VCGS, ClinVar). (SP) 0801 - This variant has strong previous evidence of pathogenicity in unrelated individuals. This variant has been reported many times as pathogenic, and observed in individuals with LEOPARD syndrome and Noonan syndrome with or without mild delay and HCM (ClinVar). (I) Legend: (SP) - Supporting pathogenic, (I) - Information, (SB) - Supporting benign

Laboratory of Medical Genetics, National & Kapodistrian University of Athens
Classification: Pathogenic for LEOPARD syndrome 1. Last evaluated: 2021-10-05. Review status: criteria provided, single submitter. Criteria: ACMG Guidelines, 2015. Collection method: clinical testing. Allele origin: unknown. Affected: yes.
Comment: PM1, PM2, PM5, PP3, PP5

Genome Diagnostics Laboratory, The Hospital for Sick Children
Classification: Pathogenic for Noonan syndrome and Noonan-related syndrome. Last evaluated: 2020-02-01. Review status: criteria provided, single submitter. Criteria: ACMG Guidelines, 2015. Collection method: clinical testing. Allele origin: germline. Affected: yes.

Laboratory of Molecular Genetics (Pr. Bezieau's lab), CHU de Nantes
Classification: Pathogenic. Last evaluated: 2018-11-12. Review status: criteria provided, single submitter. Criteria: ACMG Guidelines, 2015. Collection method: clinical testing. Allele origin: germline. Affected: yes.

Centre for Mendelian Genomics, University Medical Centre Ljubljana
Classification: Pathogenic for Abnormal facial shape; Cafe-au-lait spot; Mild intellectual disability; Scoliosis; Specific learning disability. Last evaluated: 2017-01-01. Review status: criteria provided, single submitter. Criteria: ACMG Guidelines, 2015. Collection method: clinical testing. Allele origin: unknown. Affected: yes.

Institute Of Molecular Biology And Genetics, Federal Almazov National Medical Research Centre
Classification: Pathogenic for Noonan syndrome 1. Last evaluated: 2016-08-16. Review status: criteria provided, single submitter. Criteria: ACMG Guidelines, 2015. Collection method: research. Allele origin: germline. Inheritance: Autosomal dominant inheritance. Affected: yes.

Laboratory for Molecular Medicine, Mass General Brigham Personalized Medicine
Classification: Pathogenic for Noonan syndrome; Noonan syndrome with multiple lentigines. Last evaluated: 2013-11-11. Review status: criteria provided, single submitter. Criteria: LMM Criteria. Collection method: clinical testing. Allele origin: germline. Inheritance: Autosomal dominant inheritance. Observed: 8 variant alleles.
Comment: The Arg498Leu variant in PTPN11 has been previously reported in several individu als with the clinical features of LEOPARD syndrome or Noonan syndrome (Du-Thanh 2007, Hung 2007, Limongelli 2008, Sarkozy 2004). This variant is absent in large population studies. Another amino ac id change at this position, Arg498Trp, has also been reported in individuals wit h Noonan spectrum disorders. In summary, this variant meets our criteria to be c lassified as pathogenic.

Centre for Human Genetics
Classification: Pathogenic for Noonan syndrome 1. Review status: criteria provided, single submitter. Criteria: ACMG Guidelines, 2015. Collection method: clinical testing. Allele origin: de novo. Inheritance: Autosomal dominant inheritance. Affected: yes. Observed: 1 variant allele.
Comment: The Arg498Leu variant in PTPN11 replaces a basic and polar arginine, with leucine, which is neutral and non-polar. This change has been observed in individuals with RASopathy spectrum disorders. Experimental studies have shown that this missense change affects PTPN11 function (PMID: 24935154) ClinVar contains an entry for this variant (VCV000040554.29)

Juno Genomics, Hangzhou Juno Genomics, Inc
Classification: Pathogenic for LEOPARD syndrome 1. Review status: criteria provided, single submitter. Criteria: ACMG Guidelines, 2015. Collection method: clinical testing. Allele origin: germline. Affected: yes.
Comment: Absent from controls (or at extremely low frequency if recessive) in Genome Aggregation Database, Exome Sequencing Project, 1000 Genomes Project, or Exome Aggregation Consortium.;Missense variant in a gene that has a low rate of benign missense variation and where missense variants are a common mechanism of disease.;Multiple lines of computational evidence support a deleterious effect on the gene or gene product (conservation, evolutionary, splicing impact, etc).;The prevalence of the variant in affected individuals is significantly increased compared to the prevalence in controls.;Patient's phenotype or family history is highly specific for a disease with a single genetic etiology.;Novel missense change at an amino acid residue where a different missense change determined to be pathogenic has been seen before.

Clinical Genetics DNA and cytogenetics Diagnostics Lab, Erasmus MC, Erasmus Medical Center
Classification: Pathogenic. Review status: no assertion criteria provided. Collection method: clinical testing. Allele origin: germline. Affected: yes. Study: VKGL Data-share Consensus. Not counted in ClinVar's aggregate classification.

GeneReviews
No classification provided. Condition: LEOPARD syndrome 1. Review status: no classification provided. Collection method: literature only. Allele origin: unknown. Not counted in ClinVar's aggregate classification.

Joint Genome Diagnostic Labs from Nijmegen and Maastricht, Radboudumc and MUMC+
Classification: Pathogenic. Review status: no assertion criteria provided. Collection method: clinical testing. Allele origin: germline. Affected: yes. Study: VKGL Data-share Consensus. Not counted in ClinVar's aggregate classification.

Literature cited by the submitters: PubMed 15121796 (cited by 3 submitters); PubMed 17339163 (cited by 3 submitters); PubMed 17875892 (cited by 3 submitters); PubMed 18241070 (cited by 3 submitters); PubMed 24935154 (cited by Labcorp Genetics (formerly Invitae), Labcorp and Victorian Clinical Genetics Services, Murdoch Childrens Research Institute); PubMed 16523510 (cited by Women's Health and Genetics/Laboratory Corporation of America, LabCorp); PubMed 18505544 (cited by Women's Health and Genetics/Laboratory Corporation of America, LabCorp); PubMed 19737548 (cited by Women's Health and Genetics/Laboratory Corporation of America, LabCorp); PubMed 33776629 (cited by Women's Health and Genetics/Laboratory Corporation of America, LabCorp); PubMed 11992261 (cited by Victorian Clinical Genetics Services, Murdoch Childrens Research Institute); PubMed 21533187 (cited by Victorian Clinical Genetics Services, Murdoch Childrens Research Institute); PubMed 20301557 (cited by GeneReviews); NCBI Bookshelf NBK1383 (cited by GeneReviews).